The following is an entry in ClinVar:

ClinVar aggregate classification (germline): Uncertain significance (1 of 4 stars; one submission).

Allele frequency attached by ClinVar (database versions not stated): gnomAD exomes below 0.00001; ExAC 0.00001; gnomAD 0.00001.
gnomAD v4.1: 3 of 1,590,432 alleles (0.00019%); highest among the groups gnomAD compares: Non-Finnish European, 0.00026%; no homozygotes.

Submission:

Labcorp Genetics (formerly Invitae), Labcorp
Classification: Uncertain significance. Last evaluated: 2019-10-14. Review status: criteria provided, single submitter. Criteria: Invitae Variant Classification Sherloc (09022015). Collection method: clinical testing. Allele origin: germline.
Comment: This variant is present in population databases (rs755503996, ExAC 0.002%). This sequence change replaces cysteine with arginine at codon 954 of the PLK4 protein (p.Cys954Arg). The cysteine residue is highly conserved and there is a large physicochemical difference between cysteine and arginine. This variant has not been reported in the literature in individuals with PLK4-related conditions. In summary, the available evidence is currently insufficient to determine the role of this variant in disease. Therefore, it has been classified as a Variant of Uncertain Significance. Algorithms developed to predict the effect of missense changes on protein structure and function are either unavailable or do not agree on the potential impact of this missense change (SIFT: "Tolerated"; PolyPhen-2: "Possibly Damaging"; Align-GVGD: "Class C0").

NM_014264.5(PLK4):c.2860T>C (p.Cys954Arg)

Gene: PLK4 (polo like kinase 4; plus strand). Cytogenetic location: 4q28.1.
Variant type: single nucleotide variant.
Coding change: c.2860T>C on transcript NM_014264.5 (MANE Select); coding-DNA position 2860, T replaced by C.
Protein change: p.Cys954Arg; replaces cysteine 954 with arginine.
Molecular consequence: missense variant.
Genome position (GRCh38, 1-based): chr4:127,898,488, T>C. VCF-style: chr4-127898488-T-C. GRCh37 (hg19) VCF-style: chr4-128819643-T-C.
Other names: c.2764T>C, p.Cys922Arg (NM_001190799.2); c.2737T>C, p.Cys913Arg (NM_001190801.2); short protein forms C954R, C913R, C922R.
Identifiers: ClinVar variation 967494 (VCV000967494.6), dbSNP rs755503996, ClinGen allele CA3077189.